The following is an entry in ClinVar:

NM_005859.5(PURA):c.27G>A (p.Glu9=)

Gene: PURA (purine rich element binding protein A; plus strand). Cytogenetic location: 5q31.3.
Variant type: single nucleotide variant.
Coding change: c.27G>A on transcript NM_005859.5 (MANE Select); coding-DNA position 27, G replaced by A.
Protein change: p.Glu9=; no amino-acid change (glutamic acid 9 retained).
Molecular consequence: synonymous variant.
Genome position (GRCh38, 1-based): chr5:140,114,208, G>A. VCF-style: chr5-140114208-G-A. GRCh37 (hg19) VCF-style: chr5-139493793-G-A.
Identifiers: ClinVar variation 1258872 (VCV001258872.6), dbSNP rs1481319515, ClinGen allele CA446758146.
Genomic context (GRCh38, chr5:140,114,208, plus strand): 5'-AGGCGGCGGCGGCGCGGCAGCGGAGCGCAGCATCATGGCGGACCGAGACAGCGGCAGCGA[G>A]CAGGGTGGTGCGGCGCTGGGTTCGGGCGGCTCCCTGGGGCACCCCGGCTCGGGCTCAGGC-3'
Protein context (NP_005850.1, residues 1-19): MADRDSGS[Glu9=]QGGAALGSGG

ClinVar aggregate classification (germline): Benign/Likely benign. Review status: criteria provided, multiple submitters, no conflicts (2 of 4 stars). 3 submissions from 3 submitters: Benign (1); Likely benign (2). Last evaluated 2026-01-26.

Conditions:
PURA-related severe neonatal hypotonia-seizures-encephalopathy syndrome (NEDRIHF). Also called: PURA-Related Neurodevelopmental Disorders; NEURODEVELOPMENTAL DISORDER WITH NEONATAL RESPIRATORY INSUFFICIENCY, HYPOTONIA, AND FEEDING DIFFICULTIES. Identifiers: Orphanet 438213, Orphanet 438216, MedGen C4015357, MONDO:1060108, OMIM 616158, MONDO:0018580.

Allele frequency attached by ClinVar (database versions not stated): gnomAD 0.00003; TOPMed 0.00003; gnomAD exomes 0.00008.
gnomAD v4.1: 65 of 936,416 alleles (0.0069%); highest among the groups gnomAD compares: Non-Finnish European, 0.0089%; no homozygotes.

Submissions (3):

Labcorp Genetics (formerly Invitae), Labcorp
Classification: Likely benign for PURA-related severe neonatal hypotonia-seizures-encephalopathy syndrome. Last evaluated: 2026-01-26. Review status: criteria provided, single submitter. Criteria: Invitae Variant Classification Sherloc (09022015). Collection method: clinical testing. Allele origin: germline.

Blueprint Genetics
Classification: Likely benign. Last evaluated: 2023-03-07. Review status: criteria provided, single submitter. Criteria: ACMG Guidelines, 2015. Collection method: clinical testing. Allele origin: germline.

GeneDx
Classification: Benign. Last evaluated: 2020-06-29. Review status: criteria provided, single submitter. Criteria: GeneDx Variant Classification Process June 2021. Collection method: clinical testing. Allele origin: germline. Affected: yes.
Comment: Has not been previously published as pathogenic or benign to our knowledge; Not observed in large population cohorts (Lek et al., 2016)